The following is an entry in ClinVar:

ClinVar aggregate classification (germline): Likely benign. Review status: criteria provided, multiple submitters, no conflicts (2 of 4 stars). 5 submissions from 5 submitters: Likely benign (4). 1 of the submissions does not count toward it. Last evaluated 2025-11-25.

Conditions:
Charcot-Marie-Tooth disease. Also called: Charcot-Marie-Tooth Hereditary Neuropathy; Charcot-Marie-Tooth Neuropathy. Identifiers: Orphanet 166, MedGen C0007959, MONDO:0015626.
DYNC1H1-related disorder. Also called: DYNC1H1-related condition; DYNC1H1-related disorders. Identifiers: MedGen CN381529.
Charcot-Marie-Tooth disease axonal type 2O. Also called: CHARCOT-MARIE-TOOTH NEUROPATHY, AXONAL, TYPE 2O; CHARCOT-MARIE-TOOTH DISEASE, AXONAL, AUTOSOMAL DOMINANT, TYPE 2O; Charcot-Marie-Tooth disease, axonal, type 20; Charcot-Marie-Tooth Neuropathy Type 2O. Identifiers: Orphanet 284232, MedGen C3280220, MONDO:0013644, OMIM 614228.

Allele frequency attached by ClinVar (database versions not stated): TOPMed below 0.00001; ExAC 0.00002; gnomAD exomes 0.00002.
gnomAD v4.1: 26 of 1,614,184 alleles (0.0016%); highest among the groups gnomAD compares: Non-Finnish European, 0.0022%; no homozygotes.

Submissions (5):

Labcorp Genetics (formerly Invitae), Labcorp
Classification: Likely benign for Charcot-Marie-Tooth disease axonal type 2O. Last evaluated: 2025-11-25. Review status: criteria provided, single submitter. Criteria: Invitae Variant Classification Sherloc (09022015). Collection method: clinical testing. Allele origin: germline.

Blueprint Genetics
Classification: Likely benign. Last evaluated: 2024-11-25. Review status: criteria provided, single submitter. Criteria: ACMG Guidelines, 2015. Collection method: clinical testing. Allele origin: germline.

GeneDx
Classification: Likely benign. Last evaluated: 2019-08-27. Review status: criteria provided, single submitter. Criteria: GeneDx Variant Classification Process June 2021. Collection method: clinical testing. Allele origin: germline. Affected: yes.

Molecular Genetics Laboratory, London Health Sciences Centre
Classification: Likely benign for Charcot-Marie-Tooth disease. Review status: criteria provided, single submitter. Criteria: ACMG Guidelines, 2015. Collection method: clinical testing. Allele origin: germline. Affected: yes.

PreventionGenetics, part of Exact Sciences
Classification: Likely benign for DYNC1H1-related condition. Last evaluated: 2023-05-02. Review status: no assertion criteria provided. Collection method: clinical testing. Allele origin: germline. Not counted in ClinVar's aggregate classification.
Comment: This variant is classified as likely benign based on ACMG/AMP sequence variant interpretation guidelines (Richards et al. 2015 PMID: 25741868, with internal and published modifications).

NM_001376.5(DYNC1H1):c.3414C>T (p.Asn1138=)

Gene: DYNC1H1 (dynein cytoplasmic 1 heavy chain 1; plus strand). Cytogenetic location: 14q32.31.
Variant type: single nucleotide variant.
Coding change: c.3414C>T on transcript NM_001376.5 (MANE Select); coding-DNA position 3414, C replaced by T.
Protein change: p.Asn1138=; no amino-acid change (asparagine 1138 retained).
Molecular consequence: synonymous variant.
Genome position (GRCh38, 1-based): chr14:101,995,066, C>T. VCF-style: chr14-101995066-C-T. GRCh37 (hg19) VCF-style: chr14-102461403-C-T.
Identifiers: ClinVar variation 258075 (VCV000258075.16), dbSNP rs772761222, ClinGen allele CA7352009.